The following is an entry in ClinVar:

NM_007294.4(BRCA1):c.3088A>C (p.Asn1030His)

Gene: BRCA1 (BRCA1 DNA repair associated; minus strand). Cytogenetic location: 17q21.31.
Variant type: single nucleotide variant.
Coding change: c.3088A>C on transcript NM_007294.4 (MANE Select); coding-DNA position 3088, A replaced by C.
Protein change: p.Asn1030His; replaces asparagine 1030 with histidine.
Molecular consequence: missense variant. On other transcripts: intron variant (137).
Genome position (GRCh38, 1-based): chr17:43,092,443, T>G on the plus strand (A>C on the coding strand, the complement: BRCA1 is on the minus strand). VCF-style: chr17-43092443-T-G. GRCh37 (hg19) VCF-style: chr17-41244460-T-G.
Other names: c.785-1411A>C (NM_001408396.1, NM_001407985.1, NM_001408397.1 and 13 more transcripts); c.548-1411A>C (NM_001408494.1); c.665-1411A>C (NM_001408444.1, NM_001408438.1, NM_001408430.1 and 12 more transcripts); c.788-1411A>C (NM_001407990.1, NM_007299.4, NM_001408404.1 and 17 more transcripts); c.671-1411A>C (NM_001408423.1, NM_001408420.1, NM_001408419.1 and 2 more transcripts); c.788-304A>C (NM_001407969.1, NM_001407968.1); c.3088A>C, p.Asn1030His (NM_001407597.1, NM_001407598.1, NM_001407602.1 and 30 more transcripts); c.3085A>C, p.Asn1029His (NM_001407610.1, NM_001407611.1, NM_001407612.1 and 22 more transcripts); and 41 more; short protein forms N1029H, N862H, N942H, N963H, N989H, N1004H, N1027H, N1030H.
Identifiers: ClinVar variation 2765872 (VCV002765872.3), dbSNP rs2154343150, ClinGen allele CA10595815.

ClinVar aggregate classification (germline): Uncertain significance (1 of 4 stars; one submission).

Conditions:
Hereditary breast ovarian cancer syndrome. Also called: Hereditary breast and ovarian cancer syndrome; Hereditary breast and/or ovarian cancer syndrome; BRCA1- and BRCA2-Associated Hereditary Breast and Ovarian Cancer; Hereditary breast and ovarian cancer; Breast and ovarian cancer; Hereditary breast and ovarian cancer syndrome (HBOC). Identifiers: Orphanet 145, MedGen C0677776, MeSH D061325, MONDO:0003582. Disease mechanism: loss of function.

Submission:

Labcorp Genetics (formerly Invitae), Labcorp
Classification: Uncertain significance for Hereditary breast ovarian cancer syndrome. Last evaluated: 2023-10-05. Review status: criteria provided, single submitter. Criteria: Invitae Variant Classification Sherloc (09022015). Collection method: clinical testing. Allele origin: germline.
Comment: This sequence change replaces asparagine, which is neutral and polar, with histidine, which is basic and polar, at codon 1030 of the BRCA1 protein (p.Asn1030His). This variant is not present in population databases (gnomAD no frequency). This variant has not been reported in the literature in individuals affected with BRCA1-related conditions. Advanced modeling of protein sequence and biophysical properties (such as structural, functional, and spatial information, amino acid conservation, physicochemical variation, residue mobility, and thermodynamic stability) performed at Invitae indicates that this missense variant is not expected to disrupt BRCA1 protein function. In summary, the available evidence is currently insufficient to determine the role of this variant in disease. Therefore, it has been classified as a Variant of Uncertain Significance.